The following is an entry in ClinVar:

ClinVar aggregate classification (germline): Likely pathogenic (1 of 4 stars; one submission).

Conditions:
Lipoic acid synthetase deficiency. Also called: HYPERGLYCINEMIA, LACTIC ACIDOSIS, AND SEIZURES. Identifiers: Orphanet 401859, MedGen C3280887, MONDO:0013762, OMIM 614462.

Submission:

Variantyx, Inc.
Classification: Likely pathogenic for Lipoic acid synthetase deficiency. Last evaluated: 2025-11-04. Review status: criteria provided, single submitter. Criteria: Variantyx Assertion Criteria 2022. Collection method: clinical testing. Allele origin: germline. Inheritance: Autosomal recessive inheritance. Affected: no.
Comment: This is a nonsense variant in the LIAS gene (OMIM: 607031). Pathogenic variants in this gene have been associated with autosomal recessive hyperglycinemia, lactic acidosis, and seizures. This variant introduces a premature termination codon in exon 3 out of 11 and is expected to result in loss of function, which is a known disease mechanism for LIAS in this disorder (PMID: 24334290, 36680912) (PVS1). This variant is absent from control populations (PM2) and has not been reported in individuals with LIAS-related disorders in the databases available for review. Based on the current evidence, this variant is classified as likely pathogenic for autosomal recessive hyperglycinemia, lactic acidosis, and seizures.

Literature cited by the submitters: PubMed 24334290; PubMed 36680912.

NM_006859.4(LIAS):c.236G>A (p.Trp79Ter)

Gene: LIAS (lipoic acid synthetase; plus strand). Cytogenetic location: 4p14.
Variant type: single nucleotide variant.
Coding change: c.236G>A on transcript NM_006859.4 (MANE Select); coding-DNA position 236, G replaced by A.
Protein change: p.Trp79Ter; replaces tryptophan 79 with a stop codon.
Molecular consequence: nonsense. On other transcripts: intron variant (2).
Genome position (GRCh38, 1-based): chr4:39,462,213, G>A. VCF-style: chr4-39462213-G-A. GRCh37 (hg19) VCF-style: chr4-39463833-G-A.
Other names: c.236G>A, p.Trp79Ter (NM_001278590.2, NM_001278591.2, NM_194451.3); c.218+1251G>A (NM_001363700.2, NM_001278592.2); short protein forms W79*.
Identifiers: ClinVar variation 4813729 (VCV004813729.1).